The following is an entry in ClinVar:

NM_000391.4(TPP1):c.1644G>A (p.Trp548Ter)

Gene: TPP1 (tripeptidyl peptidase 1; minus strand). Cytogenetic location: 11p15.4.
Variant type: single nucleotide variant.
Coding change: c.1644G>A on transcript NM_000391.4 (MANE Select); coding-DNA position 1644, G replaced by A.
Protein change: p.Trp548Ter; replaces tryptophan 548 with a stop codon.
Molecular consequence: nonsense.
Genome position (GRCh38, 1-based): chr11:6,614,594, C>T on the plus strand (G>A on the coding strand, the complement: TPP1 is on the minus strand). VCF-style: chr11-6614594-C-T. GRCh37 (hg19) VCF-style: chr11-6635825-C-T.
Other names: short protein forms W548*.
Identifiers: ClinVar variation 1429764 (VCV001429764.3), dbSNP rs987390731, ClinGen allele CA217320797.

ClinVar aggregate classification (germline): Uncertain significance (1 of 4 stars; one submission).

Allele frequency attached by ClinVar (database versions not stated): gnomAD exomes below 0.00001; TOPMed below 0.00001; gnomAD 0.00001.
gnomAD v4.1: 3 of 1,613,946 alleles (0.00019%); highest among the groups gnomAD compares: Non-Finnish European, 0.00025%; no homozygotes.

Submission:

Labcorp Genetics (formerly Invitae), Labcorp
Classification: Uncertain significance. Last evaluated: 2022-10-24. Review status: criteria provided, single submitter. Criteria: Invitae Variant Classification Sherloc (09022015). Collection method: clinical testing. Allele origin: germline.
Comment: This sequence change creates a premature translational stop signal (p.Trp548*) in the TPP1 gene. While this is not anticipated to result in nonsense mediated decay, it is expected to disrupt the last 16 amino acid(s) of the TPP1 protein. This variant is present in population databases (no rsID available, gnomAD 0.0009%). This variant has not been reported in the literature in individuals affected with TPP1-related conditions. ClinVar contains an entry for this variant (Variation ID: 1429764). This variant disrupts a region of the TPP1 protein in which other variant(s) (p.Trp548Arg) have been observed in individuals with TPP1-related conditions (PMID: 21990111). This suggests that this is a clinically significant region of the protein, and that variants that disrupt it are likely to be disease-causing. In summary, the available evidence is currently insufficient to determine the role of this variant in disease. Therefore, it has been classified as a Variant of Uncertain Significance.

Literature cited by the submitters: PubMed 21990111.